The following is an entry in ClinVar:

NM_001008537.3(NEXMIF):c.2314C>T (p.Arg772Cys)

Gene: NEXMIF (neurite extension and migration factor; minus strand). Cytogenetic location: Xq13.3.
Variant type: single nucleotide variant.
Coding change: c.2314C>T on transcript NM_001008537.3 (MANE Select); coding-DNA position 2314, C replaced by T.
Protein change: p.Arg772Cys; replaces arginine 772 with cysteine.
Molecular consequence: missense variant.
Genome position (GRCh38, 1-based): chrX:74,742,243, G>A on the plus strand (C>T on the coding strand, the complement: NEXMIF is on the minus strand). VCF-style: chrX-74742243-G-A. GRCh37 (hg19) VCF-style: chrX-73962078-G-A.
Other names: short protein forms R772C.
Identifiers: ClinVar variation 1310012 (VCV001310012.7), dbSNP rs998926695, ClinGen allele CA331301756.

ClinVar aggregate classification (germline): Uncertain significance. Review status: criteria provided, multiple submitters, no conflicts (2 of 4 stars). 3 submissions from 3 submitters: Uncertain significance (3). Last evaluated 2025-05-21.

Allele frequency attached by ClinVar (database versions not stated): gnomAD exomes 0.00001.

Submissions (3):

Labcorp Genetics (formerly Invitae), Labcorp
Classification: Uncertain significance. Last evaluated: 2025-05-21. Review status: criteria provided, single submitter. Criteria: Invitae Variant Classification Sherloc (09022015). Collection method: clinical testing. Allele origin: germline.
Comment: This sequence change replaces arginine, which is basic and polar, with cysteine, which is neutral and slightly polar, at codon 772 of the NEXMIF protein (p.Arg772Cys). This variant is present in population databases (no rsID available, gnomAD 0.001%). This variant has not been reported in the literature in individuals affected with NEXMIF-related conditions. ClinVar contains an entry for this variant (Variation ID: 1310012). An algorithm developed to predict the effect of missense changes on protein structure and function (PolyPhen-2) suggests that this variant is likely to be tolerated. In summary, the available evidence is currently insufficient to determine the role of this variant in disease. Therefore, it has been classified as a Variant of Uncertain Significance.

GeneDx
Classification: Uncertain significance. Last evaluated: 2019-09-06. Review status: criteria provided, single submitter. Criteria: GeneDx Variant Classification Process June 2021. Collection method: clinical testing. Allele origin: germline. Affected: yes.
Comment: In silico analysis, which includes protein predictors and evolutionary conservation, supports a deleterious effect; Has not been previously published as pathogenic or benign to our knowledge

Ambry Genetics
Classification: Uncertain significance. Last evaluated: 2019-06-07. Review status: criteria provided, single submitter. Criteria: Ambry Variant Classification Scheme 2023. Collection method: clinical testing. Allele origin: germline.
Comment: The p.R772C variant (also known as c.2314C>T), located in coding exon 2 of the KIAA2022 gene, results from a C to T substitution at nucleotide position 2314. The arginine at codon 772 is replaced by cysteine, an amino acid with highly dissimilar properties. This amino acid position is poorly conserved in available vertebrate species. In addition, this alteration is predicted to be tolerated by in silico analysis. Since supporting evidence is limited at this time, the clinical significance of this alteration remains unclear.